The following is an entry in ClinVar:

ClinVar aggregate classification (germline): Uncertain significance (1 of 4 stars; one submission).

Conditions:
Autosomal recessive limb-girdle muscular dystrophy type 2J (LGMDR10). Also called: Limb-girdle muscular dystrophy, type 2J; MUSCULAR DYSTROPHY, LIMB-GIRDLE, AUTOSOMAL RECESSIVE 10. Identifiers: Orphanet 140922, MedGen C1837342, MONDO:0012127, OMIM 608807.
Dilated cardiomyopathy 1G (CMD1G). Identifiers: Orphanet 154, MedGen C1858763, MONDO:0011400, OMIM 604145.

Submission:

Labcorp Genetics (formerly Invitae), Labcorp
Classification: Uncertain significance for Dilated cardiomyopathy 1G; Autosomal recessive limb-girdle muscular dystrophy type 2J. Last evaluated: 2025-09-17. Review status: criteria provided, single submitter. Criteria: Invitae Variant Classification Sherloc (09022015). Collection method: clinical testing. Allele origin: germline.
Comment: This sequence change replaces arginine, which is basic and polar, with leucine, which is neutral and non-polar, at codon 34775 of the TTN protein (p.Arg34775Leu). This variant is not present in population databases (gnomAD no frequency). This variant has not been reported in the literature in individuals affected with TTN-related conditions. Experimental studies and prediction algorithms are not available or were not evaluated, and the functional significance of this variant is currently unknown. This variant is located in the M band of TTN (PMID: 25589632). Non-truncating variants in this region may be relevant for neuromuscular disorders, but have not been definitively shown to cause cardiomyopathy (PMID: 23975875). In summary, the available evidence is currently insufficient to determine the role of this variant in disease. Therefore, it has been classified as a Variant of Uncertain Significance.

Literature cited by the submitters: PubMed 25589632; PubMed 23975875.

NM_001267550.2(TTN):c.104324G>T (p.Arg34775Leu)

Genes: TTN-AS1 (TTN antisense RNA 1; plus strand), TTN (titin; minus strand). Cytogenetic location: 2q31.2.
Variant type: single nucleotide variant.
Coding change: c.104324G>T on transcript NM_001267550.2 (MANE Select); coding-DNA position 104324, G replaced by T.
Protein change: p.Arg34775Leu; replaces arginine 34775 with leucine.
Molecular consequence: missense variant.
Genome position (GRCh38, 1-based): chr2:178,532,291, C>A on the plus strand (G>T on the coding strand, the complement: TTN is on the minus strand). VCF-style: chr2-178532291-C-A. GRCh37 (hg19) VCF-style: chr2-179397018-C-A.
Other names: c.99401G>T, p.Arg33134Leu (NM_001256850.1); c.77129G>T, p.Arg25710Leu (NM_003319.4); c.96620G>T, p.Arg32207Leu (NM_133378.4); c.77504G>T, p.Arg25835Leu (NM_133432.3); c.77705G>T, p.Arg25902Leu (NM_133437.4); short protein forms R25710L, R25835L, R32207L, R34775L, R25902L, R33134L.
Identifiers: ClinVar variation 4789086 (VCV004789086.1).
Genomic context (GRCh38, chr2:178,532,291, plus strand): 5'-TTTGACATGAAGTCAAGTTCGCTTTTGTATTCTGAGAGATGCTGGGTGGTCGTAACTGGG[C>A]GAAGCAACTCTTCATCCTCCCTCTCAGCCATGATTCTTTGCCGTTGCTTTGGCTGTCTGT-3'
Protein context (NP_001254479.2, residues 34765-34785): MAEREDEELL[Arg34775Leu]PVTTTQHLSE